The following is an entry in ClinVar:

ClinVar aggregate classification (germline): Pathogenic/Likely pathogenic. Review status: criteria provided, multiple submitters, no conflicts (2 of 4 stars). 2 submissions from 2 submitters: Pathogenic (1); Likely pathogenic (1). Last evaluated 2023-07-03.

Conditions:
ABCA4-related disorder. Also called: ABCA4-related condition; ABCA4-related disorders. Identifiers: MedGen CN239167.

Submissions (2):

Labcorp Genetics (formerly Invitae), Labcorp
Classification: Pathogenic. Last evaluated: 2023-07-03. Review status: criteria provided, single submitter. Criteria: Invitae Variant Classification Sherloc (09022015). Collection method: clinical testing. Allele origin: germline.
Comment: This sequence change creates a premature translational stop signal (p.Gln120Thrfs*33) in the ABCA4 gene. It is expected to result in an absent or disrupted protein product. Loss-of-function variants in ABCA4 are known to be pathogenic (PMID: 10958761, 24938718, 25312043, 26780318). This variant is not present in population databases (gnomAD no frequency). For these reasons, this variant has been classified as Pathogenic. This variant has not been reported in the literature in individuals affected with ABCA4-related conditions.

Blueprint Genetics
Classification: Likely pathogenic for ABCA4-related disorders. Last evaluated: 2021-01-21. Review status: criteria provided, single submitter. Criteria: ACMG Guidelines, 2015. Collection method: clinical testing. Allele origin: germline. Affected: yes. Observed: 2 variant alleles.

Literature cited by the submitters: PubMed 10958761 (cited by Labcorp Genetics (formerly Invitae), Labcorp); PubMed 24938718 (cited by Labcorp Genetics (formerly Invitae), Labcorp); PubMed 25312043 (cited by Labcorp Genetics (formerly Invitae), Labcorp); PubMed 26780318 (cited by Labcorp Genetics (formerly Invitae), Labcorp).

NM_000350.3(ABCA4):c.358_361del (p.Gln120fs)

Gene: ABCA4 (ATP binding cassette subfamily A member 4; minus strand). Cytogenetic location: 1p22.1.
Variant type: Deletion.
Coding change: c.358_361del on transcript NM_000350.3 (MANE Select); coding-DNA positions 358 to 361, 4 bases deleted (CAGC; older notation c.358_361delCAGC).
Protein change: p.Gln120fs; shifts the reading frame from glutamine 120.
Molecular consequence: frameshift variant.
Genome position (GRCh38, 1-based): chr1:94,108,658-94,108,661, GCTG deleted on the plus strand (CAGC on the coding strand, the reverse complement: ABCA4 is on the minus strand); deleting any 4 consecutive bases within chr1:94,108,658-94,108,664 gives the same sequence; the c. name uses the placement nearest the transcript's 3' end. VCF-style (leftmost placement, unchanged base first): chr1-94108657-TGCTG-T. GRCh37 (hg19) VCF-style: chr1-94574213-TGCTG-T.
Other names: c.355_358delAGCC, p.Gln120Thrfs (NM_001425324.1); short protein forms Q120fs.
Identifiers: ClinVar variation 2826963 (VCV002826963.4), dbSNP rs1662506957, ClinGen allele CA1181446646.
Genomic context (GRCh38, chr1:94,108,657, plus strand): 5'-GTCCGGAGGGTGTCCATGAATTGGGACAAGATGTGTAGCTCTGTCCAAATACGGCCAAGG[TGCTG>T]GCTCTCTGGTGCATTCATGAGGAGTTCTTGAAAATCTCGATATACCCTTGCCAAGCTGTA-3'